The following is an entry in ClinVar:

NM_001130053.5(EEF1D):c.353del (p.Phe118fs)

Gene: EEF1D (eukaryotic translation elongation factor 1 delta; minus strand). Cytogenetic location: 8q24.3.
Variant type: Deletion.
Coding change: c.353del on transcript NM_001130053.5 (MANE Select); coding-DNA position 353, one base deleted (T; older notation c.353delT).
Protein change: p.Phe118fs; shifts the reading frame from phenylalanine 118.
Molecular consequence: frameshift variant. On other transcripts: intron variant (8).
Genome position (GRCh38, 1-based): chr8:143,589,729, A deleted on the plus strand (T on the coding strand, the reverse complement: EEF1D is on the minus strand); the first of 4 consecutive A bases (chr8:143,589,729-143,589,732); deleting any one gives the same sequence. VCF-style (leftmost placement, unchanged base first): chr8-143589728-GA-G. GRCh37 (hg19) VCF-style: chr8-144671898-GA-G.
Other names: c.-7-2877del (NM_001130056.5, NM_001195203.4, NM_001960.7 and 2 more transcripts); c.-4-2880del (NM_001130055.4, NM_001317743.4, NM_001289950.4); c.353del, p.Phe118fs (NM_032378.7); short protein forms F118fs.
Identifiers: ClinVar variation 4854669 (VCV004854669.1).

ClinVar aggregate classification (germline): Pathogenic (1 of 4 stars; one submission).

Conditions:
Neurodevelopmental disorder with thin corpus callosum, hypotonia, and absent language. Identifiers: MedGen C6012708, MONDO:0976263, OMIM 621150.

Submission:

3billion
Classification: Pathogenic for Neurodevelopmental disorder with thin corpus callosum, hypotonia, and absent language. Last evaluated: 2025-06-26. Review status: criteria provided, single submitter. Criteria: ACMG Guidelines, 2015. Collection method: clinical testing. Allele origin: germline. Affected: yes.
Comment: The variant is not observed in the gnomAD v4.1.0 dataset. Predicted Consequence/Location: Frameshift: predicted to result in a loss or disruption of normal protein function through nonsense-mediated decay (NMD) or protein truncation. Multiple pathogenic variants are reported downstream of the variant. Therefore, this variant is classified as Pathogenic according to the recommendation of ACMG/AMP guideline.